The following is an entry in ClinVar:

ClinVar aggregate classification (germline): Uncertain significance (1 of 4 stars; one submission).

Conditions:
Aortic aneurysm, familial thoracic 4 (AAT4). Also called: AORTIC ANEURYSM/AORTIC DISSECTION AND PATENT DUCTUS ARTERIOSUS. Identifiers: MedGen C1851504, MONDO:0007568, OMIM 132900.

Allele frequency attached by ClinVar (database versions not stated): gnomAD exomes below 0.00001.
gnomAD v4.1: 1 of 1,614,178 alleles (0.000062%); highest among the groups gnomAD compares: Non-Finnish European, 0.000085%; no homozygotes.

Submission:

Centre for Mendelian Genomics, University Medical Centre Ljubljana
Classification: Uncertain significance for Aortic aneurysm, familial thoracic 4. Last evaluated: 2020-02-03. Review status: criteria provided, single submitter. Criteria: ACMG Guidelines, 2015. Collection method: clinical testing. Allele origin: unknown. Affected: yes.
Comment: This variant was classified as: Uncertain significance. The available evidence on this variant's pathogenicity is insufficient or conflicting. The following ACMG criteria were applied in classifying this variant: PM2,PP3,BP1.

NM_002474.3(MYH11):c.1493A>T (p.Glu498Val)

Gene: MYH11 (myosin heavy chain 11; minus strand). Cytogenetic location: 16p13.11.
Variant type: single nucleotide variant.
Coding change: c.1493A>T on transcript NM_002474.3 (MANE Select); coding-DNA position 1493, A replaced by T.
Protein change: p.Glu498Val; replaces glutamic acid 498 with valine.
Molecular consequence: missense variant.
Genome position (GRCh38, 1-based): chr16:15,757,909, T>A on the plus strand (A>T on the coding strand, the complement: MYH11 is on the minus strand). VCF-style: chr16-15757909-T-A. GRCh37 (hg19) VCF-style: chr16-15851766-T-A.
Other names: c.1514A>T, p.Glu505Val (NM_001040113.2, NM_001040114.2); c.1493A>T, p.Glu498Val (NM_022844.3); short protein forms E505V, E498V.
Identifiers: ClinVar variation 931748 (VCV000931748.3), dbSNP rs2041772436, ClinGen allele CA394871060.